The following is an entry in ClinVar:

ClinVar aggregate classification (germline): Uncertain significance. Review status: criteria provided, multiple submitters, no conflicts (2 of 4 stars). 3 submissions from 3 submitters: Uncertain significance (3). Last evaluated 2024-12-05.

Conditions:
Neurodegeneration with brain iron accumulation 6 (NBIA6). Also called: COASY protein-associated neurodegeneration. Identifiers: Orphanet 397725, MedGen C4517377, MONDO:0014290, OMIM 615643.

Allele frequency attached by ClinVar (database versions not stated): ExAC 0.00009; TOPMed 0.00039; gnomAD exomes 0.00019; gnomAD 0.00021 and 0.00038.

Submissions (3):

GeneDx
Classification: Uncertain significance. Last evaluated: 2024-12-05. Review status: criteria provided, single submitter. Criteria: GeneDx Variant Classification Process June 2021. Collection method: clinical testing. Allele origin: germline.
Comment: In silico analysis indicates that this missense variant does not alter protein structure/function; Has not been previously published as pathogenic or benign to our knowledge

Ambry Genetics
Classification: Uncertain significance. Last evaluated: 2024-01-24. Review status: criteria provided, single submitter. Criteria: Ambry Variant Classification Scheme 2023. Collection method: clinical testing. Allele origin: germline.

Labcorp Genetics (formerly Invitae), Labcorp
Classification: Uncertain significance for Neurodegeneration with brain iron accumulation 6. Last evaluated: 2022-09-01. Review status: criteria provided, single submitter. Criteria: Invitae Variant Classification Sherloc (09022015). Collection method: clinical testing. Allele origin: germline.
Comment: This sequence change replaces arginine, which is basic and polar, with tryptophan, which is neutral and slightly polar, at codon 429 of the COASY protein (p.Arg429Trp). This variant is present in population databases (rs201600053, gnomAD 0.03%). This variant has not been reported in the literature in individuals affected with COASY-related conditions. ClinVar contains an entry for this variant (Variation ID: 652590). Algorithms developed to predict the effect of missense changes on protein structure and function are either unavailable or do not agree on the potential impact of this missense change (SIFT: "Deleterious"; PolyPhen-2: "Probably Damaging"; Align-GVGD: "Class C0"). In summary, the available evidence is currently insufficient to determine the role of this variant in disease. Therefore, it has been classified as a Variant of Uncertain Significance.

NM_025233.7(COASY):c.1285C>T (p.Arg429Trp)

Gene: COASY (Coenzyme A synthase; plus strand). Cytogenetic location: 17q21.2.
Variant type: single nucleotide variant.
Coding change: c.1285C>T on transcript NM_025233.7 (MANE Select); coding-DNA position 1285, C replaced by T.
Protein change: p.Arg429Trp; replaces arginine 429 with tryptophan.
Molecular consequence: missense variant.
Genome position (GRCh38, 1-based): chr17:42,565,030, C>T. VCF-style: chr17-42565030-C-T. GRCh37 (hg19) VCF-style: chr17-40717048-C-T.
Other names: c.1285C>T, p.Arg429Trp (NM_001042529.3); c.1372C>T, p.Arg458Trp (NM_001042532.4); c.1372C>T (NM_001042532.2); short protein forms R429W, R458W.
Identifiers: ClinVar variation 652590 (VCV000652590.7), dbSNP rs201600053, ClinGen allele CA8578247.